The following is an entry in ClinVar:

ClinVar aggregate classification (germline): Uncertain significance. Review status: criteria provided, multiple submitters, no conflicts (2 of 4 stars). 2 submissions from 2 submitters: Uncertain significance (2). Last evaluated 2026-08-31.

Conditions:
Charcot-Marie-Tooth disease type 2. Also called: Charcot-Marie-Tooth type 2. Identifiers: Orphanet 64746, MedGen C0270914, MONDO:0018993.

Submissions (2):

Ambry Genetics
Classification: Uncertain significance. Last evaluated: 2026-08-31. Review status: criteria provided, single submitter. Criteria: Ambry Variant Classification Scheme 2023. Collection method: clinical testing. Allele origin: germline.
Comment: The p.G913V variant (also known as c.2738G>T), located in coding exon 24 of the KIF1B gene, results from a G to T substitution at nucleotide position 2738. The glycine at codon 913 is replaced by valine, an amino acid with dissimilar properties. This amino acid position is conserved. In addition, this alteration is predicted to be deleterious by in silico analysis. Based on the available evidence, the clinical significance of this variant remains unclear.

Labcorp Genetics (formerly Invitae), Labcorp
Classification: Uncertain significance for Charcot-Marie-Tooth disease type 2. Last evaluated: 2022-10-26. Review status: criteria provided, single submitter. Criteria: Invitae Variant Classification Sherloc (09022015). Collection method: clinical testing. Allele origin: germline.
Comment: This sequence change replaces glycine, which is neutral and non-polar, with valine, which is neutral and non-polar, at codon 913 of the KIF1B protein (p.Gly913Val). This variant is not present in population databases (gnomAD no frequency). This variant has not been reported in the literature in individuals affected with KIF1B-related conditions. Algorithms developed to predict the effect of missense changes on protein structure and function are either unavailable or do not agree on the potential impact of this missense change (SIFT: "Deleterious"; PolyPhen-2: "Probably Damaging"; Align-GVGD: "Class C0"). In summary, the available evidence is currently insufficient to determine the role of this variant in disease. Therefore, it has been classified as a Variant of Uncertain Significance.

NM_001365951.3(KIF1B):c.2876G>T (p.Gly959Val)

Genes: KIF1B (kinesin family member 1B; plus strand), LOC126805614 (BRD4-independent group 4 enhancer GRCh37_chr1:10385546-10386745; plus strand). Cytogenetic location: 1p36.22.
Variant type: single nucleotide variant.
Coding change: c.2876G>T on transcript NM_001365951.3 (MANE Select); coding-DNA position 2876, G replaced by T.
Protein change: p.Gly959Val; replaces glycine 959 with valine.
Molecular consequence: missense variant.
Genome position (GRCh38, 1-based): chr1:10,326,311, G>T. VCF-style: chr1-10326311-G-T. GRCh37 (hg19) VCF-style: chr1-10386369-G-T.
Other names: c.2876G>T, p.Gly959Val (NM_001365952.1); c.2738G>T, p.Gly913Val (NM_015074.3); short protein forms G959V, G913V.
Identifiers: ClinVar variation 1986915 (VCV001986915.5), dbSNP rs2521641228, ClinGen allele CA338337444.